The following is an entry in ClinVar:

ClinVar aggregate classification (germline): Uncertain significance. Review status: criteria provided, multiple submitters, no conflicts (2 of 4 stars). 3 submissions from 3 submitters: Uncertain significance (3). Last evaluated 2019-10-17.

Conditions:
Leber optic atrophy (LHON). Also called: Leber hereditary optic neuropathy; Leber's disease; Leber's optic atrophy; Optic Atrophy, Hereditary, Leber. Identifiers: Orphanet 104, MedGen C0917796, MONDO:0010788, OMIM 535000, HP:0001112.
MELAS syndrome (MELAS). Also called: Juvenile myopathy, encephalopathy, lactic acidosis, stroke. Identifiers: Orphanet 550, MedGen C0162671, MONDO:0010789, OMIM 540000.
Leigh syndrome (NULS). Also called: Leigh's necrotizing encephalopathy; Leigh's disease; Leigh Disease; Subacute necrotizing encephalopathy; Necrotizing encephalopathy infantile subacute of Leigh; LEIGH SYNDROME, NUCLEAR. Identifiers: Orphanet 506, MedGen C2931891, MONDO:0009723, OMIM 256000.

Submissions (3):

Wong Mito Lab, Molecular and Human Genetics, Baylor College of Medicine
Classification: Uncertain significance for Leigh syndrome. Last evaluated: 2019-10-17. Review status: criteria provided, single submitter. Criteria: Modified ACMG Guidelines (Unpublished). Collection method: clinical testing. Allele origin: germline.
Comment: The NC_012920.1:m.15437G>A (YP_003024038.1:p.Gly231Ser) variant in MTCYB gene is interpretated to be a Uncertain Significance variant based on the modified ACMG guidelines (unpublished). This variant meets the following evidence codes: PM9, PP6, PP7

Fulgent Genetics
Classification: Uncertain significance for Leber optic atrophy; MELAS syndrome. Last evaluated: 2018-10-31. Review status: criteria provided, single submitter. Criteria: ACMG Guidelines, 2015. Collection method: clinical testing. Allele origin: unknown.

Center for Pediatric Genomic Medicine, Children's Mercy Hospital and Clinics
Classification: Uncertain significance. Last evaluated: 2015-09-25. Review status: criteria provided, single submitter. Criteria: ACMG Guidelines, 2015. Collection method: clinical testing. Allele origin: germline.
ClinVar note: Converted during submission from Uncertain Significance to Uncertain significance.

NC_012920.1(MT-CYB):m.15437G>A

Gene: MT-CYB (mitochondrially encoded cytochrome b; plus strand).
Variant type: single nucleotide variant.
Genome position: chrM-15437-G-A.
Identifiers: ClinVar variation 235525 (VCV000235525.5), dbSNP rs878853058, ClinGen allele CA10581343.